The following is an entry in ClinVar:

ClinVar aggregate classification (germline): Conflicting classifications of pathogenicity. Review status: criteria provided, conflicting classifications (1 of 4 stars). 2 submissions from 2 submitters: Uncertain significance (1); Likely benign (1). Last evaluated 2021-07-30.

Conditions:
Cardiovascular phenotype. Identifiers: MedGen CN230736.

Allele frequency attached by ClinVar (database versions not stated): TOPMed below 0.00001.
gnomAD v4.1: 18 of 1,603,518 alleles (0.0011%); highest among the groups gnomAD compares: Non-Finnish European, 0.0015%; no homozygotes.

Submissions (2):

Ambry Genetics
Classification: Uncertain significance for Cardiovascular phenotype. Last evaluated: 2021-07-30. Review status: criteria provided, single submitter. Criteria: Ambry Variant Classification Scheme 2023. Collection method: clinical testing. Allele origin: germline.
Comment: The p.I663V variant (also known as c.1987A>G), located in coding exon 12 of the SOS1 gene, results from an A to G substitution at nucleotide position 1987. The isoleucine at codon 663 is replaced by valine, an amino acid with highly similar properties. This amino acid position is conserved. In addition, this alteration is predicted to be tolerated by in silico analysis. Since supporting evidence is limited at this time, the clinical significance of this alteration remains unclear.

GeneDx
Classification: Likely benign. Last evaluated: 2013-03-04. Review status: criteria provided, single submitter. Criteria: GeneDx Variant Classification (06012015). Collection method: clinical testing. Allele origin: germline. Affected: yes.
Comment: This variant is considered likely benign or benign based on one or more of the following criteria: it is a conservative change, it occurs at a poorly conserved position in the protein, it is predicted to be benign by multiple in silico algorithms, and/or has population frequency not consistent with disease.

NM_005633.4(SOS1):c.1987A>G (p.Ile663Val)

Gene: SOS1 (SOS Ras/Rac guanine nucleotide exchange factor 1; minus strand). Cytogenetic location: 2p22.1.
Variant type: single nucleotide variant.
Coding change: c.1987A>G on transcript NM_005633.4 (MANE Select); coding-DNA position 1987, A replaced by G.
Protein change: p.Ile663Val; replaces isoleucine 663 with valine.
Molecular consequence: missense variant.
Genome position (GRCh38, 1-based): chr2:39,013,943, T>C on the plus strand (A>G on the coding strand, the complement: SOS1 is on the minus strand). VCF-style: chr2-39013943-T-C. GRCh37 (hg19) VCF-style: chr2-39241084-T-C.
Other names: p.I663V:ATA>GTA; c.1966A>G, p.Ile656Val (NM_001382394.1); c.1987A>G, p.Ile663Val (NM_001382395.1); short protein forms I663V, I656V.
Identifiers: ClinVar variation 40693 (VCV000040693.3), dbSNP rs730881024, ClinGen allele CA297190.